The following is an entry in ClinVar:

ClinVar aggregate classification (germline): Likely benign (0 of 4 stars; one submission).

Conditions:
KSR2-related disorder. Also called: KSR2-related condition.

Submission:

PreventionGenetics, part of Exact Sciences
Classification: Likely benign for KSR2-related condition. Last evaluated: 2021-07-20. Review status: no assertion criteria provided. Collection method: clinical testing. Allele origin: germline.
Comment: This variant is classified as likely benign based on ACMG/AMP sequence variant interpretation guidelines (Richards et al. 2015 PMID: 25741868, with internal and published modifications).

NM_173598.6(KSR2):c.921G>A (p.Ala307=)

Gene: KSR2 (kinase suppressor of ras 2; minus strand). Cytogenetic location: 12q24.23.
Variant type: single nucleotide variant.
Coding change: c.921G>A on transcript NM_173598.6 (MANE Select); coding-DNA position 921, G replaced by A.
Protein change: p.Ala307=; no amino-acid change (alanine 307 retained).
Molecular consequence: synonymous variant.
Genome position (GRCh38, 1-based): chr12:117,761,076, C>T on the plus strand (G>A on the coding strand, the complement: KSR2 is on the minus strand). VCF-style: chr12-117761076-C-T. GRCh37 (hg19) VCF-style: chr12-118198881-C-T.
Identifiers: ClinVar variation 3056238 (VCV003056238.2), dbSNP rs2542815105, ClinGen allele CA482140124.